The following is an entry in ClinVar:

NM_001374828.1(ARID1B):c.4362T>A (p.Tyr1454Ter)

Gene: ARID1B (AT-rich interaction domain 1B; plus strand). Cytogenetic location: 6q25.3.
Variant type: single nucleotide variant.
Coding change: c.4362T>A on transcript NM_001374828.1 (MANE Select); coding-DNA position 4362, T replaced by A.
Protein change: p.Tyr1454Ter; replaces tyrosine 1454 with a stop codon.
Molecular consequence: nonsense.
Genome position (GRCh38, 1-based): chr6:157,196,295, T>A. VCF-style: chr6-157196295-T-A. GRCh37 (hg19) VCF-style: chr6-157517429-T-A.
Other names: c.3993T>A, p.Tyr1331Ter (NM_020732.3); c.1863T>A, p.Tyr621Ter (NM_001363725.2); c.4242T>A, p.Tyr1414Ter (NM_001371656.1, NM_001374820.1); c.4203T>A, p.Tyr1401Ter (NM_017519.3); short protein forms Y1331*, Y621*, Y1401*, Y1414*, Y1454*.
Identifiers: ClinVar variation 520835 (VCV000520835.8), dbSNP rs1554234424, ClinGen allele CA366238747.
Genomic context (GRCh38, chr6:157,196,295, plus strand): 5'-CCAAAGTCCCTCCGGAGCAATGTCTAACCTGGGCATGGGGCAGCGCCAGCAGTTTCCCTA[T>A]GGAGCCAGTTACGACCGAAGGTGAGTATTTTTTAAGATGACAATATGATGATTTACTAGA-3'

ClinVar aggregate classification (germline): Pathogenic. Review status: criteria provided, multiple submitters, no conflicts (2 of 4 stars). 2 submissions from 2 submitters: Pathogenic (2). Last evaluated 2022-05-11.

Conditions:
Inborn genetic diseases. Identifiers: MedGen C0950123, MeSH D030342.

Submissions (2):

Labcorp Genetics (formerly Invitae), Labcorp
Classification: Pathogenic. Last evaluated: 2022-05-11. Review status: criteria provided, single submitter. Criteria: Invitae Variant Classification Sherloc (09022015). Collection method: clinical testing. Allele origin: germline.
Comment: For these reasons, this variant has been classified as Pathogenic. ClinVar contains an entry for this variant (Variation ID: 520835). This variant has not been reported in the literature in individuals affected with ARID1B-related conditions. This variant is not present in population databases (gnomAD no frequency). This sequence change creates a premature translational stop signal (p.Tyr1331*) in the ARID1B gene. It is expected to result in an absent or disrupted protein product. Loss-of-function variants in ARID1B are known to be pathogenic (PMID: 25674384, 30349098).

Ambry Genetics
Classification: Pathogenic for Inborn genetic diseases. Last evaluated: 2015-10-21. Review status: criteria provided, single submitter. Criteria: Ambry exome assertion method (8-5-2015). Collection method: clinical testing. Allele origin: germline. Affected: yes. Observed: 1 variant allele.

Literature cited by the submitters: PubMed 25674384 (cited by Labcorp Genetics (formerly Invitae), Labcorp); PubMed 30349098 (cited by Labcorp Genetics (formerly Invitae), Labcorp).